The following is an entry in ClinVar:

NM_005271.5(GLUD1):c.46C>A (p.Pro16Thr)

Genes: GLUD1 (glutamate dehydrogenase 1; minus strand), SHLD2 (shieldin complex subunit 2; plus strand), LOC130004255 (ATAC-STARR-seq lymphoblastoid silent region 2577; plus strand). Cytogenetic location: 10q23.2.
Variant type: single nucleotide variant.
Coding change: c.46C>A on transcript NM_005271.5 (MANE Select); coding-DNA position 46, C replaced by A.
Protein change: p.Pro16Thr; replaces proline 16 with threonine.
Molecular consequence: missense variant. On other transcripts: 5 prime UTR variant (3).
Genome position (GRCh38, 1-based): chr10:87,094,724, G>T on the plus strand (C>A on the coding strand, the complement: GLUD1 is on the minus strand). VCF-style: chr10-87094724-G-T. GRCh37 (hg19) VCF-style: chr10-88854481-G-T.
Other names: c.-683C>A (NM_001318904.2); c.-809C>A (NM_001318905.2); c.-516C>A (NM_001318906.2); short protein forms P16T.
Identifiers: ClinVar variation 4691728 (VCV004691728.1).
Genomic context (GRCh38, chr10:87,094,724, plus strand): 5'-GTCCCCGGGCCCAGCCCAGCAACGCGGCCGAGTCGGCGGACGCCGAGCCCAGGGCAGCGG[G>T]CCCGGCCCGGGACAGCAACAGCGCTTCGCCCAGGTAGCGGTACATGGCCACAAGCGGAGG-3'
Protein context (NP_005262.1, residues 6-26): GEALLLSRAG[Pro16Thr]AALGSASADS

ClinVar aggregate classification (germline): Uncertain significance (1 of 4 stars; one submission).

Conditions:
Hyperinsulinism-hyperammonemia syndrome (HHF6). Identifiers: Orphanet 35878, MedGen C1847555, MONDO:0011717, OMIM 606762.

Submission:

Labcorp Genetics (formerly Invitae), Labcorp
Classification: Uncertain significance for Hyperinsulinism-hyperammonemia syndrome. Last evaluated: 2025-03-29. Review status: criteria provided, single submitter. Criteria: Invitae Variant Classification Sherloc (09022015). Collection method: clinical testing. Allele origin: germline.
Comment: This sequence change replaces proline, which is neutral and non-polar, with threonine, which is neutral and polar, at codon 16 of the GLUD1 protein (p.Pro16Thr). This variant is not present in population databases (gnomAD no frequency). This variant has not been reported in the literature in individuals affected with GLUD1-related conditions. Experimental studies and prediction algorithms are not available or were not evaluated, and the functional significance of this variant is currently unknown. In summary, the available evidence is currently insufficient to determine the role of this variant in disease. Therefore, it has been classified as a Variant of Uncertain Significance.